The following is an entry in ClinVar:

NM_000038.6(APC):c.7593T>C (p.Ser2531=)

Gene: APC (APC regulator of Wnt signaling pathway; plus strand). Cytogenetic location: 5q22.2.
Variant type: single nucleotide variant.
Coding change: c.7593T>C on transcript NM_000038.6 (MANE Select); coding-DNA position 7593, T replaced by C.
Protein change: p.Ser2531=; no amino-acid change (serine 2531 retained).
Molecular consequence: synonymous variant. On other transcripts: non-coding transcript variant (2).
Genome position (GRCh38, 1-based): chr5:112,843,187, T>C. VCF-style: chr5-112843187-T-C. GRCh37 (hg19) VCF-style: chr5-112178884-T-C.
Other names: c.7593T>C, p.Ser2531= (NM_001127510.3, NM_001354895.2, NM_001407450.1); c.7539T>C, p.Ser2513= (NM_001127511.3); c.7647T>C, p.Ser2549= (NM_001354896.2, NM_001407447.1, NM_001407448.1 and 1 more transcripts); c.7623T>C, p.Ser2541= (NM_001354897.2); c.7518T>C, p.Ser2506= (NM_001354898.2); c.7509T>C, p.Ser2503= (NM_001354899.2); c.7470T>C, p.Ser2490= (NM_001354900.2); c.7416T>C, p.Ser2472= (NM_001354901.2, NM_001407453.1); and 11 more.
Identifiers: ClinVar variation 4085717 (VCV004085717.8).

ClinVar aggregate classification (germline): Likely benign (1 of 4 stars; one submission).

Submission:

CeGaT Center for Human Genetics Tuebingen
Classification: Likely benign. Last evaluated: 2025-08-01. Review status: criteria provided, single submitter. Criteria: CeGaT Center For Human Genetics Tuebingen Variant Classification Criteria Version 2. Collection method: clinical testing. Allele origin: germline. Affected: yes. Observed: 1 variant allele.
Comment: APC: PM2:Supporting, BP4, BP7